The following is an entry in ClinVar:

NM_000355.4(TCN2):c.452A>T (p.His151Leu)

Gene: TCN2 (transcobalamin 2; plus strand). Cytogenetic location: 22q12.2.
Variant type: single nucleotide variant.
Coding change: c.452A>T on transcript NM_000355.4 (MANE Select); coding-DNA position 452, A replaced by T.
Protein change: p.His151Leu; replaces histidine 151 with leucine.
Molecular consequence: missense variant.
Genome position (GRCh38, 1-based): chr22:30,614,373, A>T. VCF-style: chr22-30614373-A-T. GRCh37 (hg19) VCF-style: chr22-31010360-A-T.
Other names: c.371A>T, p.His124Leu (NM_001184726.2); short protein forms H151L, H124L.
Identifiers: ClinVar variation 4748139 (VCV004748139.1).

ClinVar aggregate classification (germline): Uncertain significance (1 of 4 stars; one submission).

Conditions:
Transcobalamin II deficiency (TCN2D). Also called: TC II DEFICIENCY; TCN2 DEFICIENCY; Transcolabamin II deficiency. Identifiers: Orphanet 859, MedGen C0342701, MONDO:0010149, OMIM 275350.

gnomAD v4.1: 3 of 1,613,944 alleles (0.00019%); highest among the groups gnomAD compares: Non-Finnish European, 0.00025%; no homozygotes.

Submission:

Labcorp Genetics (formerly Invitae), Labcorp
Classification: Uncertain significance for Transcobalamin II deficiency. Last evaluated: 2025-02-04. Review status: criteria provided, single submitter. Criteria: Invitae Variant Classification Sherloc (09022015). Collection method: clinical testing. Allele origin: germline.
Comment: This sequence change replaces histidine, which is basic and polar, with leucine, which is neutral and non-polar, at codon 151 of the TCN2 protein (p.His151Leu). This variant is not present in population databases (gnomAD no frequency). This variant has not been reported in the literature in individuals affected with TCN2-related conditions. An algorithm developed to predict the effect of missense changes on protein structure and function outputs the following: PolyPhen-2: "Benign". The leucine amino acid residue is found in multiple mammalian species, which suggests that this missense change does not adversely affect protein function. In summary, the available evidence is currently insufficient to determine the role of this variant in disease. Therefore, it has been classified as a Variant of Uncertain Significance.